The following is an entry in ClinVar:

NM_000138.5(FBN1):c.6163+3_6163+5del

Gene: FBN1 (fibrillin 1; minus strand). Cytogenetic location: 15q21.1.
Variant type: Deletion.
Coding change: c.6163+3_6163+5del on transcript NM_000138.5 (MANE Select); bases 3 to 5 of the intron after coding-DNA position 6163, 3 bases deleted (AAG; older notation c.6163+3_6163+5delAAG).
Molecular consequence: intron variant.
Genome position (GRCh38, 1-based): chr15:48,441,716-48,441,718, CTT deleted on the plus strand (AAG on the coding strand, the reverse complement: FBN1 is on the minus strand). VCF-style (leftmost placement, unchanged base first): chr15-48441715-ACTT-A. GRCh37 (hg19) VCF-style: chr15-48733912-ACTT-A.
Other names: c.6163+3_6163+5del (NM_001406716.1).
Identifiers: ClinVar variation 4784899 (VCV004784899.1).

ClinVar aggregate classification (germline): Uncertain significance (1 of 4 stars; one submission).

Conditions:
Marfan syndrome (MFS). Also called: FBN1-Related Marfan Syndrome; MARFAN SYNDROME, TYPE I; Marfan syndrome type 1; Marfan's syndrome; Marfan syndrome, classic. Identifiers: Orphanet 284963, Orphanet 558, MedGen C0024796, MONDO:0007947, OMIM 154700.
Familial thoracic aortic aneurysm and aortic dissection (TAAD). Also called: Thoracic aortic aneurysms and dissections. Identifiers: Orphanet 91387, MedGen C4707243, MONDO:0019625.

Submission:

Labcorp Genetics (formerly Invitae), Labcorp
Classification: Uncertain significance for Marfan syndrome; Familial thoracic aortic aneurysm and aortic dissection. Last evaluated: 2025-05-04. Review status: criteria provided, single submitter. Criteria: Invitae Variant Classification Sherloc (09022015). Collection method: clinical testing. Allele origin: germline.
Comment: This sequence change falls in intron 50 of the FBN1 gene. It does not directly change the encoded amino acid sequence of the FBN1 protein. It affects a nucleotide within the consensus splice site. This variant is not present in population databases (gnomAD no frequency). This variant has been observed in individual(s) with clinical features of Marfan syndrome (internal data). Variants that disrupt the consensus splice site are a relatively common cause of aberrant splicing (PMID: 17576681, 9536098). Algorithms developed to predict the effect of sequence changes on RNA splicing suggest that this variant may disrupt the consensus splice site. In summary, the available evidence is currently insufficient to determine the role of this variant in disease. Therefore, it has been classified as a Variant of Uncertain Significance.

Literature cited by the submitters: PubMed 17576681; PubMed 9536098.